The following is an entry in ClinVar:

NM_000069.3(CACNA1S):c.3532T>G (p.Phe1178Val)

Gene: CACNA1S (calcium voltage-gated channel subunit alpha1 S; minus strand). Cytogenetic location: 1q32.1.
Variant type: single nucleotide variant.
Coding change: c.3532T>G on transcript NM_000069.3 (MANE Select); coding-DNA position 3532, T replaced by G.
Protein change: p.Phe1178Val; replaces phenylalanine 1178 with valine.
Molecular consequence: missense variant.
Genome position (GRCh38, 1-based): chr1:201,058,485, A>C on the plus strand (T>G on the coding strand, the complement: CACNA1S is on the minus strand). VCF-style: chr1-201058485-A-C. GRCh37 (hg19) VCF-style: chr1-201027613-A-C.
Other names: c.3532T>G (NM_000069.2); short protein forms F1178V.
Identifiers: ClinVar variation 1419356 (VCV001419356.6), dbSNP rs768999591, ClinGen allele CA082613.

ClinVar aggregate classification (germline): Uncertain significance. Review status: criteria provided, multiple submitters, no conflicts (2 of 4 stars). 2 submissions from 2 submitters: Uncertain significance (2). Last evaluated 2025-10-02.

Conditions:
Hypokalemic periodic paralysis, type 1. Also called: Hypokalemic Periodic Paralysis Type 1 (AD); HypoPP. Identifiers: Orphanet 681, MedGen C3714580, MONDO:0042979, OMIM 170400.
Malignant hyperthermia, susceptibility to, 5 (MHS5). Also called: CACNA1S-Related Malignant Hyperthermia Susceptibility. Identifiers: Orphanet 423, MedGen C1866077, MONDO:0011163, OMIM 601887.
Inborn genetic diseases. Identifiers: MedGen C0950123, MeSH D030342.

Allele frequency attached by ClinVar (database versions not stated): ExAC 0.00001; gnomAD 0.00001; gnomAD exomes 0.00001; TOPMed 0.00001.
gnomAD v4.1: 9 of 1,613,474 alleles (0.00056%); highest among the groups gnomAD compares: Admixed American, 0.0067%; no homozygotes.

Submissions (2):

Labcorp Genetics (formerly Invitae), Labcorp
Classification: Uncertain significance for Hypokalemic periodic paralysis, type 1; Malignant hyperthermia, susceptibility to, 5. Last evaluated: 2025-10-02. Review status: criteria provided, single submitter. Criteria: Invitae Variant Classification Sherloc (09022015). Collection method: clinical testing. Allele origin: germline.
Comment: This sequence change replaces phenylalanine, which is neutral and non-polar, with valine, which is neutral and non-polar, at codon 1178 of the CACNA1S protein (p.Phe1178Val). This variant is present in population databases (rs768999591, gnomAD 0.009%). This variant has not been reported in the literature in individuals affected with CACNA1S-related conditions. ClinVar contains an entry for this variant (Variation ID: 1419356). Invitae Evidence Modeling of protein sequence and biophysical properties (such as structural, functional, and spatial information, amino acid conservation, physicochemical variation, residue mobility, and thermodynamic stability) has been performed for this missense variant. However, the output from this modeling did not meet the statistical confidence thresholds required to predict the impact of this variant on CACNA1S protein function. In summary, the available evidence is currently insufficient to determine the role of this variant in disease. Therefore, it has been classified as a Variant of Uncertain Significance.

Ambry Genetics
Classification: Uncertain significance for Inborn genetic diseases. Last evaluated: 2025-08-25. Review status: criteria provided, single submitter. Criteria: Ambry Variant Classification Scheme 2023. Collection method: clinical testing. Allele origin: germline.